The following is an entry in ClinVar:

ClinVar aggregate classification (germline): Uncertain significance. Review status: criteria provided, multiple submitters, no conflicts (2 of 4 stars). 2 submissions from 2 submitters: Uncertain significance (2). Last evaluated 2025-03-24.

Conditions:
Inborn genetic diseases. Identifiers: MedGen C0950123, MeSH D030342.

Submissions (2):

Ambry Genetics
Classification: Uncertain significance for Inborn genetic diseases. Last evaluated: 2025-03-24. Review status: criteria provided, single submitter. Criteria: Ambry Variant Classification Scheme 2023. Collection method: clinical testing. Allele origin: germline.
Comment: The p.L40V variant (also known as c.118C>G), located in coding exon 2 of the RTEL1 gene, results from a C to G substitution at nucleotide position 118. The leucine at codon 40 is replaced by valine, an amino acid with highly similar properties. This amino acid position is conserved. In addition, the in silico prediction for this alteration is inconclusive. Based on the available evidence, the clinical significance of this variant remains unclear.

GeneDx
Classification: Uncertain significance. Last evaluated: 2022-04-01. Review status: criteria provided, single submitter. Criteria: GeneDx Variant Classification Process June 2021. Collection method: clinical testing. Allele origin: germline. Affected: yes.
Comment: Not observed at significant frequency in large population cohorts (gnomAD); In silico analysis supports that this missense variant has a deleterious effect on protein structure/function; Has not been previously published as pathogenic or benign to our knowledge

NM_001283009.2(RTEL1):c.118C>G (p.Leu40Val)

Genes: RTEL1 (regulator of telomere elongation helicase 1; plus strand), RTEL1-TNFRSF6B (RTEL1-TNFRSF6B readthrough (NMD candidate); plus strand). Cytogenetic location: 20q13.33.
Variant type: single nucleotide variant.
Coding change: c.118C>G on transcript NM_001283009.2 (MANE Select); coding-DNA position 118, C replaced by G.
Protein change: p.Leu40Val; replaces leucine 40 with valine.
Molecular consequence: missense variant. On other transcripts: non-coding transcript variant (1), 5 prime UTR variant (1).
Genome position (GRCh38, 1-based): chr20:63,661,313, C>G. VCF-style: chr20-63661313-C-G. GRCh37 (hg19) VCF-style: chr20-62292666-C-G.
Other names: c.-552C>G (NM_001283010.1); c.118C>G, p.Leu40Val (NM_016434.4, NM_032957.5); short protein forms L40V.
Identifiers: ClinVar variation 1707769 (VCV001707769.3), dbSNP rs766794455, ClinGen allele CA409657699.